The following is an entry in ClinVar:

NM_001101.5(ACTB):c.762G>C (p.Arg254=)

Gene: ACTB (actin beta; minus strand). Cytogenetic location: 7p22.1.
Variant type: single nucleotide variant.
Coding change: c.762G>C on transcript NM_001101.5 (MANE Select); coding-DNA position 762, G replaced by C.
Protein change: p.Arg254=; no amino-acid change (arginine 254 retained).
Molecular consequence: synonymous variant.
Genome position (GRCh38, 1-based): chr7:5,528,321, C>G on the plus strand (G>C on the coding strand, the complement: ACTB is on the minus strand). VCF-style: chr7-5528321-C-G. GRCh37 (hg19) VCF-style: chr7-5567952-C-G.
Other names: c.762G>C (LRG_132t1).
Identifiers: ClinVar variation 387743 (VCV000387743.42), dbSNP rs145818896, ClinGen allele CA4146961.

ClinVar aggregate classification (germline): Benign/Likely benign. Review status: criteria provided, multiple submitters, no conflicts (2 of 4 stars). 9 submissions from 8 submitters: Benign (6); Likely benign (2). 1 of the submissions does not count toward it. Last evaluated 2025-12-30.

Conditions:
ACTB-related disorder. Also called: ACTB-related disorders; ACTB-related condition.
Baraitser-Winter syndrome 1 (BRWS1). Also called: PACHYGYRIA, MENTAL RETARDATION, EPILEPSY, AND CHARACTERISTIC FACIES; BARAITSER-WINTER SYNDROME 1, ATYPICAL; MENTAL RETARDATION WITH EPILEPSY AND CHARACTERISTIC FACIES; Cerebrofrontofacial syndrome. Identifiers: Orphanet 2649, Orphanet 2995, MedGen C1855722, MONDO:0009470, OMIM 243310.
Developmental malformations-deafness-dystonia syndrome (DDS1). Identifiers: Orphanet 79107, MedGen C5848323, MONDO:0011823, OMIM 607371.

Allele frequency attached by ClinVar (database versions not stated): ExAC 0.00023; gnomAD exomes 0.00025; ESP Exome Variant Server 0.00054; gnomAD 0.00075 and 0.00080; TOPMed 0.00096; 1000 Genomes Project 0.00140; 1000 Genomes Project 30x 0.00141.
gnomAD v4.1: 246 of 1,614,210 alleles (0.015%); highest among the groups gnomAD compares: African/African-American, 0.27%; no homozygotes.

Submissions (9):

Labcorp Genetics (formerly Invitae), Labcorp
Classification: Benign for Baraitser-Winter syndrome 1. Last evaluated: 2025-12-30. Review status: criteria provided, single submitter. Criteria: Invitae Variant Classification Sherloc (09022015). Collection method: clinical testing. Allele origin: germline.

Blueprint Genetics
Classification: Likely benign. Last evaluated: 2024-06-05. Review status: criteria provided, single submitter. Criteria: ACMG Guidelines, 2015. Collection method: clinical testing. Allele origin: germline.

CeGaT Center for Human Genetics Tuebingen
Classification: Benign. Last evaluated: 2022-04-01. Review status: criteria provided, single submitter. Criteria: CeGaT Center For Human Genetics Tuebingen Variant Classification Criteria Version 2. Collection method: clinical testing. Allele origin: germline. Affected: yes. Observed: 1 variant allele.
Comment: ACTB: BS1, BS2

Genome-Nilou Lab
Classification: Benign for Baraitser-Winter syndrome 1. Last evaluated: 2021-12-05. Review status: criteria provided, single submitter. Criteria: ACMG Guidelines, 2015. Collection method: clinical testing. Allele origin: germline. Affected: no.

Genome-Nilou Lab
Classification: Benign for Developmental malformations-deafness-dystonia syndrome. Last evaluated: 2021-12-05. Review status: criteria provided, single submitter. Criteria: ACMG Guidelines, 2015. Collection method: clinical testing. Allele origin: germline. Affected: no.

Fulgent Genetics
Classification: Likely benign for Baraitser-Winter syndrome 1; Developmental malformations-deafness-dystonia syndrome. Last evaluated: 2021-08-11. Review status: criteria provided, single submitter. Criteria: ACMG Guidelines, 2015. Collection method: clinical testing. Allele origin: unknown.

Genetic Services Laboratory, University of Chicago
Classification: Benign. Last evaluated: 2020-09-16. Review status: criteria provided, single submitter. Criteria: ACMG Guidelines, 2015. Collection method: clinical testing. Allele origin: germline. Affected: no.

GeneDx
Classification: Benign. Last evaluated: 2016-08-22. Review status: criteria provided, single submitter. Criteria: GeneDx Variant Classification (06012015). Collection method: clinical testing. Allele origin: germline. Affected: yes.
Comment: This variant is considered likely benign or benign based on one or more of the following criteria: it is a conservative change, it occurs at a poorly conserved position in the protein, it is predicted to be benign by multiple in silico algorithms, and/or has population frequency not consistent with disease.

PreventionGenetics, part of Exact Sciences
Classification: Likely benign for ACTB-related condition. Last evaluated: 2020-02-14. Review status: no assertion criteria provided. Collection method: clinical testing. Allele origin: germline. Not counted in ClinVar's aggregate classification.
Comment: This variant is classified as likely benign based on ACMG/AMP sequence variant interpretation guidelines (Richards et al. 2015 PMID: 25741868, with internal and published modifications).